The following is an entry in ClinVar:

ClinVar aggregate classification (germline): Uncertain significance (1 of 4 stars; one submission).

Allele frequency attached by ClinVar (database versions not stated): gnomAD exomes below 0.00001.
gnomAD v4.1: 1 of 1,613,998 alleles (0.000062%); highest among the groups gnomAD compares: East Asian, 0.0022%; no homozygotes.

Submission:

Labcorp Genetics (formerly Invitae), Labcorp
Classification: Uncertain significance. Last evaluated: 2022-05-03. Review status: criteria provided, single submitter. Criteria: Invitae Variant Classification Sherloc (09022015). Collection method: clinical testing. Allele origin: germline.
Comment: In summary, the available evidence is currently insufficient to determine the role of this variant in disease. Therefore, it has been classified as a Variant of Uncertain Significance. Algorithms developed to predict the effect of missense changes on protein structure and function are either unavailable or do not agree on the potential impact of this missense change (SIFT: "Deleterious"; PolyPhen-2: "Benign"; Align-GVGD: "Class C55"). This variant has not been reported in the literature in individuals affected with LAMB1-related conditions. This variant is not present in population databases (gnomAD no frequency). This sequence change replaces threonine, which is neutral and polar, with asparagine, which is neutral and polar, at codon 688 of the LAMB1 protein (p.Thr688Asn).

NM_002291.3(LAMB1):c.2063C>A (p.Thr688Asn)

Gene: LAMB1 (laminin subunit beta 1; minus strand). Cytogenetic location: 7q31.1.
Variant type: single nucleotide variant.
Coding change: c.2063C>A on transcript NM_002291.3 (MANE Select); coding-DNA position 2063, C replaced by A.
Protein change: p.Thr688Asn; replaces threonine 688 with asparagine.
Molecular consequence: missense variant.
Genome position (GRCh38, 1-based): chr7:107,961,252, G>T on the plus strand (C>A on the coding strand, the complement: LAMB1 is on the minus strand). VCF-style: chr7-107961252-G-T. GRCh37 (hg19) VCF-style: chr7-107601697-G-T.
Other names: short protein forms T688N.
Identifiers: ClinVar variation 2020896 (VCV002020896.4), dbSNP rs1562990912, ClinGen allele CA368869648.
Genomic context (GRCh38, chr7:107,961,252, plus strand): 5'-AATCTCGCACTTACAGAATCGATCAGCGTGTAGGGGCTCTCCACGTCGCTATCAGAGGAG[G>T]TGTACTGAGGCAGCTCCAACCTCACCGTGTAGTTTGTTCCCTTCTCAAAGCACACCGGCC-3'
Protein context (NP_002282.2, residues 678-698): YTVRLELPQY[Thr688Asn]SSDSDVESPY